The following is an entry in ClinVar:

ClinVar aggregate classification (germline): Uncertain significance (1 of 4 stars; one submission).

Allele frequency attached by ClinVar (database versions not stated): ExAC 0.00001; gnomAD exomes 0.00001.
gnomAD v4.1: 9 of 1,613,878 alleles (0.00056%); highest among the groups gnomAD compares: South Asian, 0.0022%; no homozygotes.

Submission:

Labcorp Genetics (formerly Invitae), Labcorp
Classification: Uncertain significance. Last evaluated: 2022-11-29. Review status: criteria provided, single submitter. Criteria: Invitae Variant Classification Sherloc (09022015). Collection method: clinical testing. Allele origin: germline.
Comment: Algorithms developed to predict the effect of missense changes on protein structure and function (SIFT, PolyPhen-2, Align-GVGD) all suggest that this variant is likely to be tolerated. This variant has not been reported in the literature in individuals affected with PAFAH1B1-related conditions. This variant is present in population databases (rs764855780, gnomAD 0.0009%). This sequence change replaces proline, which is neutral and non-polar, with leucine, which is neutral and non-polar, at codon 98 of the PAFAH1B1 protein (p.Pro98Leu). In summary, the available evidence is currently insufficient to determine the role of this variant in disease. Therefore, it has been classified as a Variant of Uncertain Significance.

NM_000430.4(PAFAH1B1):c.293C>T (p.Pro98Leu)

Gene: PAFAH1B1 (platelet activating factor acetylhydrolase 1b regulatory subunit 1; plus strand). Cytogenetic location: 17p13.3.
Variant type: single nucleotide variant.
Coding change: c.293C>T on transcript NM_000430.4 (MANE Select); coding-DNA position 293, C replaced by T.
Protein change: p.Pro98Leu; replaces proline 98 with leucine.
Molecular consequence: missense variant.
Genome position (GRCh38, 1-based): chr17:2,667,092, C>T. VCF-style: chr17-2667092-C-T. GRCh37 (hg19) VCF-style: chr17-2570386-C-T.
Other names: short protein forms P98L.
Identifiers: ClinVar variation 2160683 (VCV002160683.4), dbSNP rs764855780, ClinGen allele CA8283159.